The following is an entry in ClinVar:

ClinVar aggregate classification (germline): Uncertain significance (1 of 4 stars; one submission).

Conditions:
Cardiovascular phenotype. Identifiers: MedGen CN230736.

Allele frequency attached by ClinVar (database versions not stated): TOPMed 0.00001; gnomAD 0.00002; gnomAD exomes 0.00002.
gnomAD v4.1: 24 of 1,551,502 alleles (0.0015%); highest among the groups gnomAD compares: African/African-American, 0.0027%; no homozygotes.

Submission:

Ambry Genetics
Classification: Uncertain significance for Cardiovascular phenotype. Last evaluated: 2025-05-24. Review status: criteria provided, single submitter. Criteria: Ambry Variant Classification Scheme 2023. Collection method: clinical testing. Allele origin: germline.
Comment: The p.Q126R variant (also known as c.377A>G), located in coding exon 3 of the ABCG5 gene, results from an A to G substitution at nucleotide position 377. The glutamine at codon 126 is replaced by arginine, an amino acid with highly similar properties. This amino acid position is conserved. In addition, this alteration is predicted to be tolerated by in silico analysis. Since supporting evidence is limited at this time, the clinical significance of this alteration remains unclear.

NM_022436.3(ABCG5):c.377A>G (p.Gln126Arg)

Gene: ABCG5 (ATP binding cassette subfamily G member 5; minus strand). Cytogenetic location: 2p21.
Variant type: single nucleotide variant.
Coding change: c.377A>G on transcript NM_022436.3 (MANE Select); coding-DNA position 377, A replaced by G.
Protein change: p.Gln126Arg; replaces glutamine 126 with arginine.
Molecular consequence: missense variant.
Genome position (GRCh38, 1-based): chr2:43,831,972, T>C on the plus strand (A>G on the coding strand, the complement: ABCG5 is on the minus strand). VCF-style: chr2-43831972-T-C. GRCh37 (hg19) VCF-style: chr2-44059111-T-C.
Other names: short protein forms Q126R.
Identifiers: ClinVar variation 2561769 (VCV002561769.3), dbSNP rs933862825, ClinGen allele CA46470696.